The following is an entry in ClinVar:

NM_022489.4(INF2):c.1770C>T (p.Pro590=)

Gene: INF2 (inverted formin 2; plus strand). Cytogenetic location: 14q32.33.
Variant type: single nucleotide variant.
Coding change: c.1770C>T on transcript NM_022489.4 (MANE Select); coding-DNA position 1770, C replaced by T.
Protein change: p.Pro590=; no amino-acid change (proline 590 retained).
Molecular consequence: synonymous variant.
Genome position (GRCh38, 1-based): chr14:104,708,470, C>T. VCF-style: chr14-104708470-C-T. GRCh37 (hg19) VCF-style: chr14-105174807-C-T.
Other names: c.1770C>T, p.Pro590= (NM_001031714.4).
Identifiers: ClinVar variation 312693 (VCV000312693.28), dbSNP rs549506051, ClinGen allele CA7372665.
Genomic context (GRCh38, chr14:104,708,470, plus strand): 5'-TCACTGGCCGTGTCCCCACCCGACAGAGCACAACTCTATGTGGGCGTCCCTGAGCAGCCC[C>T]GACGCCGAGGCTGTGGAGCCCGACTTCTCCAGCATCGAGCGACTATTCTCCTTCCCTGCA-3'
Protein context (NP_071934.3, residues 580-600): HNSMWASLSS[Pro590=]DAEAVEPDFS

ClinVar aggregate classification (germline): Benign/Likely benign. Review status: criteria provided, multiple submitters, no conflicts (2 of 4 stars). 7 submissions from 7 submitters: Benign (1); Likely benign (5). 1 of the submissions does not count toward it. Last evaluated 2026-08-01.

Conditions:
INF2-related disorder. Also called: INF2-related condition.
Focal segmental glomerulosclerosis 5 (FSGS5). Identifiers: Orphanet 656, MedGen C2750475, MONDO:0013191, OMIM 613237.
Charcot-Marie-Tooth disease dominant intermediate E. Also called: CHARCOT-MARIE-TOOTH NEUROPATHY WITH FOCAL SEGMENTAL GLOMERULONEPHRITIS. Identifiers: Orphanet 93114, MedGen C4302667, MONDO:0013758, OMIM 614455.
Inborn genetic diseases. Identifiers: MedGen C0950123, MeSH D030342.

Allele frequency attached by ClinVar (database versions not stated): ExAC 0.00006; gnomAD exomes 0.00007; TOPMed 0.00009; gnomAD 0.00011.
gnomAD v4.1: 271 of 1,612,376 alleles (0.017%); highest among the groups gnomAD compares: Non-Finnish European, 0.022%; no homozygotes.

Submissions (7):

CeGaT Center for Human Genetics Tuebingen
Classification: Likely benign. Last evaluated: 2026-08-01. Review status: criteria provided, single submitter. Criteria: CeGaT Center For Human Genetics Tuebingen Variant Classification Criteria Version 2. Collection method: clinical testing. Allele origin: germline. Affected: yes. Observed: 2 variant alleles.
Comment: INF2: BP4, BP7

Labcorp Genetics (formerly Invitae), Labcorp
Classification: Likely benign for Charcot-Marie-Tooth disease dominant intermediate E; Focal segmental glomerulosclerosis 5. Last evaluated: 2025-10-02. Review status: criteria provided, single submitter. Criteria: Invitae Variant Classification Sherloc (09022015). Collection method: clinical testing. Allele origin: germline.

Fulgent Genetics
Classification: Likely benign for Focal segmental glomerulosclerosis 5; Charcot-Marie-Tooth disease dominant intermediate E. Last evaluated: 2021-08-19. Review status: criteria provided, single submitter. Criteria: ACMG Guidelines, 2015. Collection method: clinical testing. Allele origin: unknown.

GeneDx
Classification: Likely benign. Last evaluated: 2019-10-17. Review status: criteria provided, single submitter. Criteria: GeneDx Variant Classification Process June 2021. Collection method: clinical testing. Allele origin: germline. Affected: yes.

Ambry Genetics
Classification: Likely benign for Inborn genetic diseases. Last evaluated: 2019-07-11. Review status: criteria provided, single submitter. Criteria: Ambry Variant Classification Scheme 2023. Collection method: clinical testing. Allele origin: germline.

Illumina Laboratory Services, Illumina
Classification: Benign for Focal segmental glomerulosclerosis 5. Last evaluated: 2018-01-12. Review status: criteria provided, single submitter. Criteria: ICSL Variant Classification Criteria 13 December 2019. Collection method: clinical testing. Allele origin: germline.
Comment: This variant was observed in the ICSL laboratory as part of a predisposition screen in an ostensibly healthy population. It had not been previously curated by ICSL or reported in the Human Gene Mutation Database (HGMD: prior to June 1st, 2018), and was therefore a candidate for classification through an automated scoring system. Utilizing variant allele frequency, disease prevalence and penetrance estimates, and inheritance mode, an automated score was calculated to assess if this variant is too frequent to cause the disease. Based on the score and internal cut-off values, a variant classified as benign is not then subjected to further curation. The score for this variant resulted in a classification of benign for this disease.

PreventionGenetics, part of Exact Sciences
Classification: Likely benign for INF2-related condition. Last evaluated: 2019-11-07. Review status: no assertion criteria provided. Collection method: clinical testing. Allele origin: germline. Not counted in ClinVar's aggregate classification.
Comment: This variant is classified as likely benign based on ACMG/AMP sequence variant interpretation guidelines (Richards et al. 2015 PMID: 25741868, with internal and published modifications).